The following is an entry in ClinVar:

ClinVar aggregate classification (germline): Benign/Likely benign. Review status: criteria provided, multiple submitters, no conflicts (2 of 4 stars). 21 submissions from 21 submitters: Benign (12); Likely benign (2). 7 of the submissions do not count toward it. Last evaluated 2026-09-01.

Conditions:
Mandibular hypoplasia-deafness-progeroid syndrome. Also called: Mandibular hypoplasia, deafness, progeroid features, and lipodystrophy syndrome. Identifiers: Orphanet 363649, MedGen C3715192, MONDO:0014157, OMIM 615381.
POLD1-related polyposis and colorectal cancer syndrome (CRCS10). Also called: Colorectal cancer 10; COLORECTAL CANCER, SUSCEPTIBILITY TO, ON CHROMOSOME 19q; Colorectal cancer, susceptibility to, 10. Identifiers: Orphanet 220460, MedGen C2675481, MONDO:0012953, OMIM 612591.
Hereditary cancer-predisposing syndrome. Also called: Neoplastic Syndromes, Hereditary; Tumor predisposition; Hereditary Cancer Syndrome; Hereditary neoplastic syndrome. Identifiers: Orphanet 140162, MedGen C0027672, MeSH D009386, MONDO:0015356.

Allele frequency attached by ClinVar (database versions not stated): 1000 Genomes Project 30x 0.00344; 1000 Genomes Project 0.00379; gnomAD 0.00706 and 0.00717; TOPMed 0.00713; gnomAD exomes 0.00821 and 0.01078; ESP Exome Variant Server 0.00962; ExAC 0.01267.
gnomAD v4.1: 16,581 of 1,593,262 alleles (1%); highest among the groups gnomAD compares: Middle Eastern, 1.6%; 132 homozygotes.

Submissions (21):

CeGaT Center for Human Genetics Tuebingen
Classification: Benign. Last evaluated: 2026-09-01. Review status: criteria provided, single submitter. Criteria: CeGaT Center For Human Genetics Tuebingen Variant Classification Criteria Version 2. Collection method: clinical testing. Allele origin: germline. Affected: yes. Observed: 146 variant alleles.
Comment: POLD1: BP4, BS1, BS2

Labcorp Genetics (formerly Invitae), Labcorp
Classification: Benign for POLD1-related polyposis and colorectal cancer syndrome. Last evaluated: 2026-02-04. Review status: criteria provided, single submitter. Criteria: Invitae Variant Classification Sherloc (09022015). Collection method: clinical testing. Allele origin: germline.

Mayo Clinic Laboratories, Mayo Clinic
Classification: Likely benign. Last evaluated: 2025-08-12. Review status: criteria provided, single submitter. Criteria: ACMG Guidelines, 2015. Collection method: clinical testing. Allele origin: germline. Observed: 14 variant alleles.
Comment: BS1, BP4

ARUP Laboratories, Molecular Genetics and Genomics, ARUP Laboratories
Classification: Benign. Last evaluated: 2025-04-17. Review status: criteria provided, single submitter. Criteria: ARUP Molecular Germline Variant Investigation Process 2024. Collection method: clinical testing. Allele origin: germline.

Center for Genomic Medicine, Rigshospitalet, Copenhagen University Hospital
Classification: Benign. Last evaluated: 2025-03-04. Review status: criteria provided, single submitter. Criteria: ACMG Guidelines, 2015. Collection method: clinical testing. Allele origin: germline.

Institute for Biomarker Research, Medical Diagnostic Laboratories, L.L.C.
Classification: Benign for Hereditary cancer-predisposing syndrome. Last evaluated: 2025-01-27. Review status: criteria provided, single submitter. Criteria: ACMG Guidelines, 2015. Collection method: clinical testing. Allele origin: germline.
Comment: The missense variant NM_001308632.1(POLD1):c.88C>T (p.Arg30Trp) has been reported to ClinVar as Benign/Likely benign with a status of (2 stars) criteria provided, multiple submitters, no conflicts (Variation ID 221163 as of 2025-01-02). . There is a moderate physicochemical difference between arginine and tryptophan. The gene POLD1 has a low rate of benign missense variation as indicated by a high For these reasons, this variant has been classified as Benign

KCCC/NGS Laboratory, Kuwait Cancer Control Center
Classification: Benign for POLD1-related polyposis and colorectal cancer syndrome. Last evaluated: 2023-07-07. Review status: criteria provided, single submitter. Criteria: ACMG Guidelines, 2015. Collection method: clinical testing. Allele origin: germline. Affected: yes.

Fulgent Genetics
Classification: Likely benign for POLD1-related polyposis and colorectal cancer syndrome; Mandibular hypoplasia-deafness-progeroid syndrome. Last evaluated: 2022-03-16. Review status: criteria provided, single submitter. Criteria: ACMG Guidelines, 2015. Collection method: clinical testing. Allele origin: unknown.

PreventionGenetics, part of Exact Sciences
Classification: Benign. Last evaluated: 2016-12-09. Review status: criteria provided, single submitter. Criteria: ACMG Guidelines, 2015. Collection method: clinical testing. Allele origin: germline.

GeneDx
Classification: Benign. Last evaluated: 2016-11-17. Review status: criteria provided, single submitter. Criteria: GeneDx Variant Classification (06012015). Collection method: clinical testing. Allele origin: germline. Affected: yes.
Comment: This variant is considered likely benign or benign based on one or more of the following criteria: it is a conservative change, it occurs at a poorly conserved position in the protein, it is predicted to be benign by multiple in silico algorithms, and/or has population frequency not consistent with disease.

Women's Health and Genetics/Laboratory Corporation of America, LabCorp
Classification: Benign. Last evaluated: 2016-08-25. Review status: criteria provided, single submitter. Criteria: LabCorp Variant Classification Summary - May 2015. Collection method: clinical testing. Allele origin: germline.
Comment: Variant summary: The c.88C>T (p.Arg30Trp) in POLD1 gene is a missense change that involves a non-conserved nucleotide and 4/5 in silico tools predict benign outcome. The variant is present in the control population dataset of ExAC at an overall frequency 0.013 (671/52972 chrs tested) including 5 homozygotes. This frequency exceeds the estimated maximum allele frequency for a pathogenic allele in this gene (0.0000142). The variant is cited as Benign by a reputable database/clinical laboratory. Taking together, the variant was classified as Benign.

Quest Diagnostics Nichols Institute San Juan Capistrano
Classification: Benign. Last evaluated: 2016-07-05. Review status: criteria provided, single submitter. Criteria: Quest Diagnostics criteria. Collection method: clinical testing. Allele origin: unknown.

Ambry Genetics
Classification: Benign for Hereditary cancer-predisposing syndrome. Last evaluated: 2015-05-20. Review status: criteria provided, single submitter. Criteria: Ambry Variant Classification Scheme 2023. Collection method: clinical testing. Allele origin: germline.

Breakthrough Genomics
Classification: Benign. Review status: criteria provided, single submitter. Criteria: ACMG Guidelines, 2015. Collection method: not provided. Allele origin: germline. Inheritance: Autosomal dominant inheritance. Affected: yes.

True Health Diagnostics
Classification: Likely benign for Hereditary cancer-predisposing syndrome. Last evaluated: 2017-12-01. Review status: no assertion criteria provided. Collection method: clinical testing. Allele origin: germline. Not counted in ClinVar's aggregate classification.

Counsyl
Classification: Benign for POLD1-related polyposis and colorectal cancer syndrome. Last evaluated: 2016-06-10. Review status: no assertion criteria provided. Collection method: clinical testing. Allele origin: unknown. Not counted in ClinVar's aggregate classification.

Clinical Genetics Laboratory, Department of Pathology, Netherlands Cancer Institute
Classification: Benign. Review status: no assertion criteria provided. Collection method: clinical testing. Allele origin: germline. Affected: yes. Study: VKGL Data-share Consensus. Not counted in ClinVar's aggregate classification.

Clinical Genetics, Academic Medical Center
Classification: Benign. Review status: no assertion criteria provided. Collection method: clinical testing. Allele origin: germline. Affected: yes. Study: VKGL Data-share Consensus. Not counted in ClinVar's aggregate classification.

Department of Pathology and Laboratory Medicine, Sinai Health System
Classification: Likely benign. Review status: no assertion criteria provided. Collection method: clinical testing. Allele origin: unknown. Affected: yes. Study: The Canadian Open Genetics Repository (COGR). Not counted in ClinVar's aggregate classification.
Comment: The POLD1 p.Arg30Trp variant was identified in 1 of 58 proband chromosomes (frequency: 0.02) from individuals or families with HNPCC (Talseth-Palmer 2015). The variant was also identified in dbSNP (ID: rs3218772) as "With Benign allele", ClinVar (classified as benign by Invitae, Counsyl, GeneDx, Ambry Genetics and three other clinical laboratories), Cosmic (1x in prostate tissue), and MutDB. The variant was identified in control databases in 1935 of 241054 chromosomes (13 homozygous) at a frequency of 0.008, increasing the likelihood this could be a low frequency benign variant (Genome Aggregation Database Feb 27, 2017). The variant was observed in the following populations: European in 1228 of 108476 chromosomes (freq: 0.01), South Asian in 299 of 26820 chromosomes (freq: 0.01), African in 28 of 21060 chromosomes (freq: 0.001), Other in 62 of 5816 chromosomes (freq: 0.01), Latino in 183 of 30048 chromosomes (freq: 0.006), Ashkenazi Jewish in 74 of 9266 chromosomes (freq: 0.0079), and Finnish in 61 of 22694 chromosomes (freq: 0.0026), while the variant was not observed in the East Asian population. The p.Arg30 residue is not conserved in mammals and computational analyses (PolyPhen-2, SIFT, AlignGVGD, BLOSUM, MutationTaster) provide inconsistent predictions regarding the impact to the protein; this information is not very predictive of pathogenicity. The variant occurs outside of the splicing consensus sequence and 1 of 4 in silico or computational prediction software programs (SpliceSiteFinder, MaxEntScan, NNSPLICE, GeneSplicer) predict a greater than 10% difference in splicing; this is not very predictive of pathogenicity. In summary, based on the above information, the clinical significance of this variant cannot be determined with certainty at this time although we would lean towards a more benign role for this variant. This variant is classified as likely benign.

Genome Diagnostics Laboratory, Amsterdam University Medical Center
Classification: Benign. Review status: no assertion criteria provided. Collection method: clinical testing. Allele origin: germline. Affected: yes. Study: VKGL Data-share Consensus. Not counted in ClinVar's aggregate classification.

Laboratory of Diagnostic Genome Analysis, Leiden University Medical Center (LUMC)
Classification: Likely benign. Review status: no assertion criteria provided. Collection method: clinical testing. Allele origin: germline. Affected: yes. Study: VKGL Data-share Consensus. Not counted in ClinVar's aggregate classification.

Literature cited by the submitters: PubMed 26811195 (cited by Counsyl).

NM_002691.4(POLD1):c.88C>T (p.Arg30Trp)

Gene: POLD1 (DNA polymerase delta 1, catalytic subunit; plus strand). Cytogenetic location: 19q13.33.
Variant type: single nucleotide variant.
Coding change: c.88C>T on transcript NM_002691.4 (MANE Select); coding-DNA position 88, C replaced by T.
Protein change: p.Arg30Trp; replaces arginine 30 with tryptophan.
Molecular consequence: missense variant. On other transcripts: non-coding transcript variant (1).
Genome position (GRCh38, 1-based): chr19:50,398,939, C>T. VCF-style: chr19-50398939-C-T. GRCh37 (hg19) VCF-style: chr19-50902196-C-T.
Other names: c.88C>T, p.Arg30Trp (NM_001256849.1, NM_001308632.1); short protein forms R30W.
Identifiers: ClinVar variation 221163 (VCV000221163.76), dbSNP rs3218772, ClinGen allele CA348473.
Genomic context (GRCh38, chr19:50,398,939, plus strand): 5'-GGGCCCGGGGTGCCCCCAAAGCGGGCCCGTGGGGGCCTCTGGGATGATGATGATGCACCT[C>T]GGCCATCCCAATTCGAGGAGGACCTGGCACTGATGGAGGAGATGGAGGCAGAACACAGGC-3'
Protein context (NP_002682.2, residues 20-40): GGLWDDDDAP[Arg30Trp]PSQFEEDLAL